The following is an entry in ClinVar:

ClinVar aggregate classification (germline): Uncertain significance (1 of 4 stars; one submission).

Conditions:
Malignant hyperthermia, susceptibility to, 1 (MHS1). Also called: Anesthesia related hyperthermia; Malignant hyperpyrexia; Fulminating hyperpyrexia; Pharmacogenic myopathy; RYR1-Related Malignant Hyperthermia Susceptibility; Malignant hyperthermia suceptibility 1. Identifiers: Orphanet 423, MedGen C2930980, MONDO:0007783, OMIM 145600.

Allele frequency attached by ClinVar (database versions not stated): gnomAD exomes below 0.00001; TOPMed below 0.00001; gnomAD 0.00001.
gnomAD v4.1: 2 of 1,614,132 alleles (0.00012%); highest among the groups gnomAD compares: Non-Finnish European, 0.00017%; no homozygotes.

Submission:

All of Us Research Program, National Institutes of Health
Classification: Uncertain significance for Malignant hyperthermia, susceptibility to, 1. Last evaluated: 2023-05-16. Review status: criteria provided, single submitter. Criteria: ACMG Guidelines, 2015. Collection method: clinical testing. Allele origin: germline. Inheritance: Autosomal dominant inheritance. Observed: 1 variant allele, 1 heterozygote.
Comment: This missense variant replaces threonine with isoleucine at codon 1081 of the RYR1 protein. Computational prediction suggests that this variant may not impact protein structure and function (internally defined REVEL score threshold <= 0.5, PMID: 27666373). To our knowledge, functional studies have not been reported for this variant. This variant has not been reported in individuals affected with RYR1-related disorders in the literature. This variant has not been identified in the general population by the Genome Aggregation Database (gnomAD). The available evidence is insufficient to determine the role of this variant in disease conclusively. Therefore, this variant is classified as a Variant of Uncertain Significance.

This study involves interpretation of variants in research participants for the purpose of population health screening. Participant phenotype was not available at the time of variant classification. Additional details can be found in publication PMID: 35346344, PMCID: PMC8962531

NM_000540.3(RYR1):c.3242C>T (p.Thr1081Ile)

Gene: RYR1 (ryanodine receptor 1; plus strand). Cytogenetic location: 19q13.2.
Variant type: single nucleotide variant.
Coding change: c.3242C>T on transcript NM_000540.3 (MANE Select); coding-DNA position 3242, C replaced by T.
Protein change: p.Thr1081Ile; replaces threonine 1081 with isoleucine.
Molecular consequence: missense variant.
Genome position (GRCh38, 1-based): chr19:38,467,673, C>T. VCF-style: chr19-38467673-C-T. GRCh37 (hg19) VCF-style: chr19-38958313-C-T.
Other names: c.3242C>T, p.Thr1081Ile (NM_001042723.2); short protein forms T1081I.
Identifiers: ClinVar variation 3071134 (VCV003071134.1), dbSNP rs1968180034, ClinGen allele CA405637070.